The following is an entry in ClinVar:

NM_001065.4(TNFRSF1A):c.259G>A (p.Gly87Ser)

Gene: TNFRSF1A (TNF receptor superfamily member 1A; minus strand). Cytogenetic location: 12p13.31.
Variant type: single nucleotide variant.
Coding change: c.259G>A on transcript NM_001065.4 (MANE Select); coding-DNA position 259, G replaced by A.
Protein change: p.Gly87Ser; replaces glycine 87 with serine.
Molecular consequence: missense variant. On other transcripts: 5 prime UTR variant (2), non-coding transcript variant (1).
Genome position (GRCh38, 1-based): chr12:6,333,800, C>T on the plus strand (G>A on the coding strand, the complement: TNFRSF1A is on the minus strand). VCF-style: chr12-6333800-C-T. GRCh37 (hg19) VCF-style: chr12-6442966-C-T.
Other names: c.-66G>A (NM_001346091.2); c.-319G>A (NM_001346092.2); short protein forms G87S.
Identifiers: ClinVar variation 2735796 (VCV002735796.5), dbSNP rs1274938366, ClinGen allele CA383550567.

ClinVar aggregate classification (germline): Uncertain significance. Review status: criteria provided, multiple submitters, no conflicts (2 of 4 stars). 3 submissions from 3 submitters: Uncertain significance (3). Last evaluated 2025-07-21.

Conditions:
TNF receptor-associated periodic fever syndrome (TRAPS) (FPF). Also called: TNF Receptor-Associated Periodic Fever Syndrome; TNF RECEPTOR-ASSOCIATED PERIODIC SYNDROME; TUMOR NECROSIS FACTOR RECEPTOR-ASSOCIATED PERIODIC SYNDROME; TNF receptor 1-associated periodic fever syndrome; Autosomal Dominant Familial Periodic Fever; FAMILIAL HIBERNIAN FEVER. Identifiers: Orphanet 32960, MedGen C1275126, MONDO:0007727, OMIM 142680.
TNFRSF1A-related disorder. Also called: TNFRSF1A-related condition.

Allele frequency attached by ClinVar (database versions not stated): TOPMed 0.00001.
gnomAD v4.1: 2 of 1,587,500 alleles (0.00013%); highest among the groups gnomAD compares: Non-Finnish European, 0.00017%; no homozygotes.

Submissions (3):

PreventionGenetics, part of Exact Sciences
Classification: Uncertain significance for TNFRSF1A-related condition. Last evaluated: 2025-07-21. Review status: criteria provided, single submitter. Criteria: ACMG Guidelines, 2015. Collection method: clinical testing. Allele origin: germline.
Comment: The TNFRSF1A c.259G>A variant is predicted to result in the amino acid substitution p.Gly87Ser. Another variant impacting this same amino acid, p.Gly87Val, has been reported in association with TRAPS and a functional study showed that this variant impacted protein function (Tsuji et al. 2019. PubMed ID: 31429073). This variant is reported in 0.0011% of alleles in individuals of European (Non-Finnish) descent in gnomAD. Although we suspect that this variant may be pathogenic, at this time, the clinical significance of this variant is uncertain due to the absence of conclusive functional and genetic evidence.

Labcorp Genetics (formerly Invitae), Labcorp
Classification: Uncertain significance for TNF receptor-associated periodic fever syndrome (TRAPS). Last evaluated: 2025-05-07. Review status: criteria provided, single submitter. Criteria: Invitae Variant Classification Sherloc (09022015). Collection method: clinical testing. Allele origin: germline.
Comment: This sequence change replaces glycine, which is neutral and non-polar, with serine, which is neutral and polar, at codon 87 of the TNFRSF1A protein (p.Gly87Ser). The frequency data for this variant in the population databases is considered unreliable, as metrics indicate poor data quality at this position in the gnomAD database. This missense change has been observed in individual(s) with clinical features of TNF receptor-associated periodic fever syndrome (PMID: 22566169). ClinVar contains an entry for this variant (Variation ID: 2735796). Invitae Evidence Modeling of protein sequence and biophysical properties (such as structural, functional, and spatial information, amino acid conservation, physicochemical variation, residue mobility, and thermodynamic stability) indicates that this missense variant is expected to disrupt TNFRSF1A protein function with a positive predictive value of 80%. This variant disrupts the p.Gly87 amino acid residue in TNFRSF1A. Other variant(s) that disrupt this residue have been observed in individuals with TNFRSF1A-related conditions (PMID: 31429073), which suggests that this may be a clinically significant amino acid residue. In summary, the available evidence is currently insufficient to determine the role of this variant in disease. Therefore, it has been classified as a Variant of Uncertain Significance.

GeneDx
Classification: Uncertain significance. Last evaluated: 2024-10-10. Review status: criteria provided, single submitter. Criteria: GeneDx Variant Classification Process June 2021. Collection method: clinical testing. Allele origin: germline. Affected: yes.
Comment: Not observed at significant frequency in large population cohorts (gnomAD); In silico analysis supports that this missense variant has a deleterious effect on protein structure/function; This variant is associated with the following publications: (PMID: 22566169)

Literature cited by the submitters: PubMed 22566169 (cited by Labcorp Genetics (formerly Invitae), Labcorp); PubMed 31429073 (cited by Labcorp Genetics (formerly Invitae), Labcorp).